The following is an entry in ClinVar:

ClinVar aggregate classification (germline): Uncertain significance (1 of 4 stars; one submission).

Submission:

GeneDx
Classification: Uncertain significance. Last evaluated: 2024-11-25. Review status: criteria provided, single submitter. Criteria: GeneDx Variant Classification Process June 2021. Collection method: clinical testing. Allele origin: germline.
Comment: Not observed at significant frequency in large population cohorts (gnomAD); In silico analysis supports that this missense variant has a deleterious effect on protein structure/function; Has not been previously published as pathogenic or benign to our knowledge

NM_005614.4(RHEB):c.409T>G (p.Leu137Val)

Gene: RHEB (Ras homolog, mTORC1 binding; minus strand). Cytogenetic location: 7q36.1.
Variant type: single nucleotide variant.
Coding change: c.409T>G on transcript NM_005614.4 (MANE Select); coding-DNA position 409, T replaced by G.
Protein change: p.Leu137Val; replaces leucine 137 with valine.
Molecular consequence: missense variant.
Genome position (GRCh38, 1-based): chr7:151,470,624, A>C on the plus strand (T>G on the coding strand, the complement: RHEB is on the minus strand). VCF-style: chr7-151470624-A-C. GRCh37 (hg19) VCF-style: chr7-151167710-A-C.
Other names: short protein forms L137V.
Identifiers: ClinVar variation 2576711 (VCV002576711.2), dbSNP rs2536089362, ClinGen allele CA370047031.
Genomic context (GRCh38, chr7:151,470,624, plus strand): 5'-CTGTTACCTGATTTTCTTTAGCAGAAGATTCCAAAAAAGCTGCATTCCAAGATTCTGCCA[A>C]AGCTTTCCCTTCTTCATAACTGATCACCCTAAAGAAAAAATAAAATTCTAGTTAAAGTAC-3'
Protein context (NP_005605.1, residues 127-147): RVISYEEGKA[Leu137Val]AESWNAAFLE